The following is an entry in ClinVar:

NM_006371.5(CRTAP):c.368A>G (p.Lys123Arg)

Gene: CRTAP (cartilage associated protein; plus strand). Cytogenetic location: 3p22.3.
Variant type: single nucleotide variant.
Coding change: c.368A>G on transcript NM_006371.5 (MANE Select); coding-DNA position 368, A replaced by G.
Protein change: p.Lys123Arg; replaces lysine 123 with arginine.
Molecular consequence: missense variant.
Genome position (GRCh38, 1-based): chr3:33,114,445, A>G. VCF-style: chr3-33114445-A-G. GRCh37 (hg19) VCF-style: chr3-33155937-A-G.
Other names: c.368A>G, p.Lys123Arg (NM_001393363.1, NM_001393364.1, NM_001393365.1); short protein forms K123R.
Identifiers: ClinVar variation 568933 (VCV000568933.4), dbSNP rs767456804, ClinGen allele CA2300253.

ClinVar aggregate classification (germline): Uncertain significance (1 of 4 stars; one submission).

Conditions:
Osteogenesis imperfecta type 7 (OI7). Also called: OSTEOGENESIS IMPERFECTA, TYPE IIB; OI type 7; OI type VII; Osteogenesis imperfecta type 2B; OI type 2B; Osteogenesis imperfecta, perinatal lethal autosomal recessive. Identifiers: MedGen C1853162, MONDO:0012536, OMIM 610682.

Allele frequency attached by ClinVar (database versions not stated): gnomAD 0.00005 and 0.00006; gnomAD exomes 0.00005 and 0.00009; TOPMed 0.00005; 1000 Genomes Project 30x 0.00016; ExAC 0.00030.
gnomAD v4.1: 81 of 1,576,986 alleles (0.0051%); highest among the groups gnomAD compares: East Asian, 0.18%; no homozygotes.

Submission:

Labcorp Genetics (formerly Invitae), Labcorp
Classification: Uncertain significance for Osteogenesis imperfecta type 7. Last evaluated: 2022-01-17. Review status: criteria provided, single submitter. Criteria: Invitae Variant Classification Sherloc (09022015). Collection method: clinical testing. Allele origin: germline.
Comment: This sequence change replaces lysine, which is basic and polar, with arginine, which is basic and polar, at codon 123 of the CRTAP protein (p.Lys123Arg). This variant is present in population databases (rs767456804, gnomAD 0.1%). This variant has not been reported in the literature in individuals affected with CRTAP-related conditions. ClinVar contains an entry for this variant (Variation ID: 568933). Algorithms developed to predict the effect of missense changes on protein structure and function (SIFT, PolyPhen-2, Align-GVGD) all suggest that this variant is likely to be tolerated. In summary, the available evidence is currently insufficient to determine the role of this variant in disease. Therefore, it has been classified as a Variant of Uncertain Significance.